The following is an entry in ClinVar:

NM_001303052.2(MYT1L):c.1669G>T (p.Gly557Trp)

Gene: MYT1L (myelin transcription factor 1 like; minus strand). Cytogenetic location: 2p25.3.
Variant type: single nucleotide variant.
Coding change: c.1669G>T on transcript NM_001303052.2 (MANE Select); coding-DNA position 1669, G replaced by T.
Protein change: p.Gly557Trp; replaces glycine 557 with tryptophan.
Molecular consequence: missense variant.
Genome position (GRCh38, 1-based): chr2:1,912,060, C>A on the plus strand (G>T on the coding strand, the complement: MYT1L is on the minus strand). VCF-style: chr2-1912060-C-A. GRCh37 (hg19) VCF-style: chr2-1915832-C-A.
Other names: c.1669G>T, p.Gly557Trp (NM_001329844.2, NM_001329845.1, NM_001329851.3); c.1663G>T, p.Gly555Trp (NM_001329846.3, NM_001329847.2, NM_001329848.1 and 3 more transcripts); short protein forms G555W, G557W.
Identifiers: ClinVar variation 4812864 (VCV004812864.1).

ClinVar aggregate classification (germline): Likely pathogenic (1 of 4 stars; one submission).

Conditions:
Early onset severe obesity. Identifiers: MedGen C4013980.

Submission:

Cambridge Genomics Laboratory, East Genomic Laboratory Hub, NHS Genomic Medicine Service
Classification: Likely pathogenic for Severe early-onset obesity. Last evaluated: 2023-12-06. Review status: criteria provided, single submitter. Criteria: ACGS Best Practice Guidelines for Variant Classification in Rare Disease 2020. Collection method: clinical testing. Allele origin: germline. Affected: yes.
Comment: The p.Gly555Trp variant is novel (not in any individuals) in gnomAD All. The p.Gly555Trp variant is novel (not in any individuals) in 1kG All. The p.Gly555Trp variant is novel (not in any individuals) in gnomAD Genomes v3 All. (PM2 - Moderate) | The gene MYT1L has a low rate of benign missense variation as indicated by a high missense variants Z-Score of 4.79. The gene MYT1L contains 24 pathogenic missense variants, indicating that missense variants are a common mechanism of disease in this gene. (PP2 - Supporting) | 4 variants within 6 amino acid positions of the variant p.Gly555Trp have been shown to be pathogenic, while none have been shown to be benign. (PM1 - Moderate) | The p.Gly555Trp missense variant is predicted to be damaging by both SIFT and PolyPhen2. The glycine residue at codon 555 of MYT1L is conserved in all mammalian species. The nucleotide c.1663 in MYT1L is predicted conserved by GERP++ and PhyloP across 100 vertebrates. (PP3 - Supporting)